The following is an entry in ClinVar:

ClinVar aggregate classification (germline): Pathogenic/Likely pathogenic. Review status: criteria provided, multiple submitters, no conflicts (2 of 4 stars). 3 submissions from 3 submitters: Pathogenic (2); Likely pathogenic (1). Last evaluated 2025-12-20.

Conditions:
Aortic aneurysm, familial thoracic 10 (AAT10). Identifiers: MedGen C4284414, MONDO:0014950, OMIM 617168.

Allele frequency attached by ClinVar (database versions not stated): TOPMed below 0.00001; gnomAD 0.00001.
gnomAD v4.1: 1 of 1,611,692 alleles (0.000062%); highest among the groups gnomAD compares: Non-Finnish European, 0.000085%; no homozygotes.

Submissions (3):

Labcorp Genetics (formerly Invitae), Labcorp
Classification: Pathogenic. Last evaluated: 2025-12-20. Review status: criteria provided, single submitter. Criteria: Invitae Variant Classification Sherloc (09022015). Collection method: clinical testing. Allele origin: germline.
Comment: This sequence change affects a donor splice site in intron 4 of the LOX gene. It is expected to disrupt RNA splicing. Variants that disrupt the donor or acceptor splice site typically lead to a loss of protein function (PMID: 16199547), and loss-of-function variants in LOX are known to be pathogenic (PMID: 12417550, 26838787, 27432961). This variant is not present in population databases (gnomAD no frequency). Disruption of this splice site has been observed in individuals with clinical features of thoracic aortic aneurysm and dissection (internal data). ClinVar contains an entry for this variant (Variation ID: 489315). Algorithms developed to predict the effect of sequence changes on RNA splicing suggest that this variant may disrupt the consensus splice site. For these reasons, this variant has been classified as Pathogenic.

Revvity Omics, Revvity
Classification: Likely pathogenic for Aortic aneurysm, familial thoracic 10. Last evaluated: 2023-09-20. Review status: criteria provided, single submitter. Criteria: ACMG Guidelines, 2015. Collection method: clinical testing. Allele origin: germline.

GeneDx
Classification: Pathogenic. Last evaluated: 2017-12-26. Review status: criteria provided, single submitter. Criteria: GeneDx Variant Classification (06012015). Collection method: clinical testing. Allele origin: germline. Affected: yes.
Comment: The c.1035+1G>A variant in the LOX gene has not been reported previously as a pathogenic variant nor as a benign variant, to our knowledge. This splice site variant destroys the canonical splice donor site in intron 4. It is predicted to cause abnormal gene splicing, either leading to an abnormal message that is subject to nonsense-mediated mRNA decay, or to an abnormal protein product if the message is used for protein translation. The c.1035+1G>A variant is not observed in large population cohorts (Lek et al., 2016). We interpret c.1035+1G>A as a pathogenic variant.

Literature cited by the submitters: PubMed 16199547 (cited by Labcorp Genetics (formerly Invitae), Labcorp); PubMed 12417550 (cited by Labcorp Genetics (formerly Invitae), Labcorp); PubMed 26838787 (cited by Labcorp Genetics (formerly Invitae), Labcorp); PubMed 27432961 (cited by Labcorp Genetics (formerly Invitae), Labcorp).

NM_002317.7(LOX):c.1035+1G>A

Genes: LOX (lysyl oxidase; minus strand), SRFBP1 (serum response factor binding protein 1; plus strand). Cytogenetic location: 5q23.1.
Variant type: single nucleotide variant.
Coding change: c.1035+1G>A on transcript NM_002317.7 (MANE Select); the canonical splice donor site of the intron after coding-DNA position 1035, G replaced by A.
Molecular consequence: splice donor variant.
Genome position (GRCh38, 1-based): chr5:122,074,012, C>T on the plus strand (G>A on the coding strand, the complement: LOX is on the minus strand). VCF-style: chr5-122074012-C-T. GRCh37 (hg19) VCF-style: chr5-121409707-C-T.
Other names: c.345+1G>A (NM_001178102.2); c.144+1G>A (NM_001317073.1).
Identifiers: ClinVar variation 489315 (VCV000489315.9), dbSNP rs1213452826, ClinGen allele CA360881260.